The following is an entry in ClinVar:

NM_003442.6(ZNF143):c.515G>A (p.Gly172Glu)

Gene: ZNF143 (zinc finger protein 143; plus strand). Cytogenetic location: 11p15.4.
Variant type: single nucleotide variant.
Coding change: c.515G>A on transcript NM_003442.6 (MANE Select); coding-DNA position 515, G replaced by A.
Protein change: p.Gly172Glu; replaces glycine 172 with glutamic acid.
Molecular consequence: missense variant.
Genome position (GRCh38, 1-based): chr11:9,478,531, G>A. VCF-style: chr11-9478531-G-A. GRCh37 (hg19) VCF-style: chr11-9500078-G-A.
Other names: c.512G>A, p.Gly171Glu (NM_001282656.2); c.422G>A, p.Gly141Glu (NM_001282657.2); short protein forms G141E, G171E, G172E.
Identifiers: ClinVar variation 3693234 (VCV003693234.2).

ClinVar aggregate classification (germline): Uncertain significance (1 of 4 stars; one submission).

gnomAD v4.1: 1 of 1,614,142 alleles (0.000062%); highest among the groups gnomAD compares: Non-Finnish European, 0.000085%; no homozygotes.

Submission:

Labcorp Genetics (formerly Invitae), Labcorp
Classification: Uncertain significance. Last evaluated: 2024-05-28. Review status: criteria provided, single submitter. Criteria: Invitae Variant Classification Sherloc (09022015). Collection method: clinical testing. Allele origin: germline.
Comment: This sequence change replaces glycine, which is neutral and non-polar, with glutamic acid, which is acidic and polar, at codon 172 of the ZNF143 protein (p.Gly172Glu). This variant is not present in population databases (gnomAD no frequency). This variant has not been reported in the literature in individuals affected with ZNF143-related conditions. An algorithm developed to predict the effect of missense changes on protein structure and function (PolyPhen-2) suggests that this variant is likely to be tolerated. In summary, the available evidence is currently insufficient to determine the role of this variant in disease. Therefore, it has been classified as a Variant of Uncertain Significance.